The following is an entry in ClinVar:

ClinVar aggregate classification (germline): Uncertain significance (1 of 4 stars; one submission).

Submission:

Labcorp Genetics (formerly Invitae), Labcorp
Classification: Uncertain significance. Last evaluated: 2022-05-20. Review status: criteria provided, single submitter. Criteria: Invitae Variant Classification Sherloc (09022015). Collection method: clinical testing. Allele origin: germline.
Comment: This variant is present in population databases (no rsID available, gnomAD 0.01%). This variant, c.490_492del, results in the deletion of 1 amino acid(s) of the WDR87 protein (p.Leu164del), but otherwise preserves the integrity of the reading frame. This variant has not been reported in the literature in individuals affected with WDR87-related conditions. Experimental studies and prediction algorithms are not available or were not evaluated, and the functional significance of this variant is currently unknown. In summary, the available evidence is currently insufficient to determine the role of this variant in disease. Therefore, it has been classified as a Variant of Uncertain Significance.

NM_001291088.2(WDR87):c.607_609del (p.Leu203del)

Gene: WDR87 (WD repeat domain 87; minus strand). Cytogenetic location: 19q13.13.
Variant type: Deletion.
Coding change: c.607_609del on transcript NM_001291088.2 (MANE Select); coding-DNA positions 607 to 609, 3 bases deleted (CTG; older notation c.607_609delCTG).
Protein change: p.Leu203del; deletes leucine 203.
Molecular consequence: inframe deletion.
Genome position (GRCh38, 1-based): chr19:37,895,094-37,895,096, CAG deleted on the plus strand (CTG on the coding strand, the reverse complement: WDR87 is on the minus strand); deleting any 3 consecutive bases within chr19:37,895,094-37,895,098 gives the same sequence; the c. name uses the placement nearest the transcript's 3' end. VCF-style (leftmost placement, unchanged base first): chr19-37895093-TCAG-T. GRCh37 (hg19) VCF-style: chr19-38385733-TCAG-T.
Other names: c.490_492del, p.Leu164del (NM_031951.5); short protein forms L164del, L203del.
Identifiers: ClinVar variation 1985018 (VCV001985018.4), dbSNP rs1206843763, ClinGen allele CA633064409.